The following is an entry in ClinVar:

ClinVar aggregate classification (germline): Conflicting classifications of pathogenicity. Review status: criteria provided, conflicting classifications (1 of 4 stars). 3 submissions from 3 submitters: Uncertain significance (1); Benign (1); Likely benign (1). Last evaluated 2025-04-09.

Allele frequency attached by ClinVar (database versions not stated): TOPMed 0.00001; ExAC 0.00002; gnomAD 0.00002; gnomAD exomes 0.00004.
gnomAD v4.1: 27 of 1,613,748 alleles (0.0017%); highest among the groups gnomAD compares: Non-Finnish European, 0.0022%; no homozygotes.

Submissions (3):

Molecular Diagnostic Laboratory for Inherited Cardiovascular Disease, Montreal Heart Institute
Classification: Benign. Last evaluated: 2025-04-09. Review status: criteria provided, single submitter. Criteria: ACMG Guidelines, 2015. Collection method: clinical testing. Allele origin: germline. Affected: no.

Women's Health and Genetics/Laboratory Corporation of America, LabCorp
Classification: Uncertain significance. Last evaluated: 2025-01-29. Review status: criteria provided, single submitter. Criteria: LabCorp Variant Classification Summary - May 2015. Collection method: clinical testing. Allele origin: germline.
Comment: Variant summary: TTN c.10303+2508A>T is located at a position not widely known to affect splicing. This variant corresponds to c.11000A>T, p.Q3667L in NM_001267550. Several computational tools predict a significant impact on normal splicing: Four predict the variant abolishes a 3' acceptor site. However, these predictions have yet to be confirmed by functional studies. The variant allele was found at a frequency of 2.8e-05 in 248726 control chromosomes. The available data on variant occurrences in the general population are insufficient to allow any conclusion about variant significance. To our knowledge, no occurrence of c.10303+2508A>T in individuals affected with TTN-related conditions and no experimental evidence demonstrating its impact on protein function have been reported. ClinVar contains an entry for this variant (Variation ID: 2573638). Based on the evidence outlined above, the variant was classified as uncertain significance.

Blueprint Genetics
Classification: Likely benign. Last evaluated: 2024-08-20. Review status: criteria provided, single submitter. Criteria: ACMG Guidelines, 2015. Collection method: clinical testing. Allele origin: germline.

NM_001267550.2(TTN):c.11000A>T (p.Gln3667Leu)

Gene: TTN (titin; minus strand). Cytogenetic location: 2q31.2.
Variant type: single nucleotide variant.
Coding change: c.11000A>T on transcript NM_001267550.2 (MANE Select); coding-DNA position 11000, A replaced by T.
Protein change: p.Gln3667Leu; replaces glutamine 3667 with leucine.
Molecular consequence: missense variant. On other transcripts: intron variant (5).
Genome position (GRCh38, 1-based): chr2:178,756,476, T>A on the plus strand (A>T on the coding strand, the complement: TTN is on the minus strand). VCF-style: chr2-178756476-T-A. GRCh37 (hg19) VCF-style: chr2-179621203-T-A.
Other names: c.10487A>T, p.Gln3496Leu (NM_133437.4); c.10165+2508A>T (NM_003319.4); c.10540+1066A>T (NM_133432.3); c.10303+2508A>T (NM_133378.4, NM_001256850.1, NM_133379.5); short protein forms Q3496L, Q3667L.
Identifiers: ClinVar variation 2573638 (VCV002573638.4), dbSNP rs770140533, ClinGen allele CA2004007.